The following is an entry in ClinVar:

NM_004551.3(NDUFS3):c.134-17A>C

Gene: NDUFS3 (NADH:ubiquinone oxidoreductase core subunit S3; plus strand). Cytogenetic location: 11p11.2.
Variant type: single nucleotide variant.
Coding change: c.134-17A>C on transcript NM_004551.3 (MANE Select); 17 bases into the intron before coding-DNA position 134, A replaced by C.
Molecular consequence: intron variant.
Genome position (GRCh38, 1-based): chr11:47,580,508, A>C. VCF-style: chr11-47580508-A-C. GRCh37 (hg19) VCF-style: chr11-47602060-A-C.
Identifiers: ClinVar variation 514813 (VCV000514813.1), dbSNP rs561407271, ClinGen allele CA5977850.

ClinVar aggregate classification (germline): Likely benign (1 of 4 stars; one submission).

Allele frequency attached by ClinVar (database versions not stated): gnomAD below 0.00001 and 0.00007; TOPMed below 0.00001; gnomAD exomes 0.00006 and 0.00008; ExAC 0.00007; 1000 Genomes Project 0.00040; 1000 Genomes Project 30x 0.00047.
gnomAD v4.1: 100 of 1,613,582 alleles (0.0062%); highest among the groups gnomAD compares: South Asian, 0.047%; 1 homozygote.

Submission:

GeneDx
Classification: Likely benign. Last evaluated: 2018-01-25. Review status: criteria provided, single submitter. Criteria: GeneDx Variant Classification (06012015). Collection method: clinical testing. Allele origin: germline. Affected: yes.
Comment: This variant is considered likely benign or benign based on one or more of the following criteria: it is a conservative change, it occurs at a poorly conserved position in the protein, it is predicted to be benign by multiple in silico algorithms, and/or has population frequency not consistent with disease.